The following is an entry in ClinVar:

NM_015346.4(ZFYVE26):c.6838_6839del (p.Lys2280fs)

Gene: ZFYVE26 (zinc finger FYVE-type containing 26; minus strand). Cytogenetic location: 14q24.1.
Variant type: Deletion.
Coding change: c.6838_6839del on transcript NM_015346.4 (MANE Select); coding-DNA positions 6838 to 6839, 2 bases deleted (AA; older notation c.6838_6839delAA).
Protein change: p.Lys2280fs; shifts the reading frame from lysine 2280.
Molecular consequence: frameshift variant.
Genome position (GRCh38, 1-based): chr14:67,755,198-67,755,199, TT deleted on the plus strand (AA on the coding strand, the reverse complement: ZFYVE26 is on the minus strand); deleting any 2 consecutive bases within chr14:67,755,198-67,755,200 gives the same sequence; the c. name uses the placement nearest the transcript's 3' end. VCF-style (leftmost placement, unchanged base first): chr14-67755197-CTT-C. GRCh37 (hg19) VCF-style: chr14-68221914-CTT-C.
Other names: short protein forms K2280fs.
Identifiers: ClinVar variation 1956869 (VCV001956869.5), dbSNP rs2503941482, ClinGen allele CA2580088656.
Genomic context (GRCh38, chr14:67,755,197, plus strand): 5'-CTTCAGGTGGTCCTTGGCCTTAAGTAGCCATGAGAGCTTCTCTCCCAGTTCTGTATATGA[CTT>C]TGCTTTGTGACTGAAGAACCGAATACAGGTCATGGCGGCCCGAACTTGGTCCTAGAAGAG-3'

ClinVar aggregate classification (germline): Pathogenic (1 of 4 stars; one submission).

Conditions:
Spastic paraplegia. Identifiers: MedGen C0037772, HP:0001258.

Submission:

Labcorp Genetics (formerly Invitae), Labcorp
Classification: Pathogenic for Spastic paraplegia. Last evaluated: 2024-10-21. Review status: criteria provided, single submitter. Criteria: Invitae Variant Classification Sherloc (09022015). Collection method: clinical testing. Allele origin: germline.
Comment: This sequence change creates a premature translational stop signal (p.Lys2280Valfs*14) in the ZFYVE26 gene. It is expected to result in an absent or disrupted protein product. Loss-of-function variants in ZFYVE26 are known to be pathogenic (PMID: 18394578, 19805727). This variant is not present in population databases (gnomAD no frequency). This variant has not been reported in the literature in individuals affected with ZFYVE26-related conditions. ClinVar contains an entry for this variant (Variation ID: 1956869). For these reasons, this variant has been classified as Pathogenic.

Literature cited by the submitters: PubMed 18394578; PubMed 19805727.